The following is an entry in ClinVar:

ClinVar aggregate classification (germline): Uncertain significance (1 of 4 stars; one submission).

Conditions:
Congenital contractural arachnodactyly (CCA). Also called: BEALS SYNDROME; Beals-Hecht syndrome; Arthrogryposis, distal, type 9. Identifiers: Orphanet 115, MedGen C0220668, MONDO:0007363, OMIM 121050.

gnomAD v4.1: 1 of 1,613,654 alleles (0.000062%); highest among the groups gnomAD compares: Non-Finnish European, 0.000085%; no homozygotes.

Submission:

Labcorp Genetics (formerly Invitae), Labcorp
Classification: Uncertain significance for Congenital contractural arachnodactyly. Last evaluated: 2021-06-28. Review status: criteria provided, single submitter. Criteria: Invitae Variant Classification Sherloc (09022015). Collection method: clinical testing. Allele origin: germline.
Comment: This variant is not present in population databases (ExAC no frequency). This sequence change replaces asparagine with aspartic acid at codon 87 of the FBN2 protein (p.Asn87Asp). The asparagine residue is highly conserved and there is a small physicochemical difference between asparagine and aspartic acid. This variant has not been reported in the literature in individuals affected with FBN2-related conditions. Advanced modeling of protein sequence and biophysical properties (such as structural, functional, and spatial information, amino acid conservation, physicochemical variation, residue mobility, and thermodynamic stability) performed at Invitae indicates that this missense variant is not expected to disrupt FBN2 protein function. In summary, the available evidence is currently insufficient to determine the role of this variant in disease. Therefore, it has been classified as a Variant of Uncertain Significance.

NM_001999.4(FBN2):c.259A>G (p.Asn87Asp)

Gene: FBN2 (fibrillin 2; minus strand). Cytogenetic location: 5q23.3.
Variant type: single nucleotide variant.
Coding change: c.259A>G on transcript NM_001999.4 (MANE Select); coding-DNA position 259, A replaced by G.
Protein change: p.Asn87Asp; replaces asparagine 87 with aspartic acid.
Molecular consequence: missense variant.
Genome position (GRCh38, 1-based): chr5:128,536,480, T>C on the plus strand (A>G on the coding strand, the complement: FBN2 is on the minus strand). VCF-style: chr5-128536480-T-C. GRCh37 (hg19) VCF-style: chr5-127872173-T-C.
Other names: short protein forms N87D.
Identifiers: ClinVar variation 1487237 (VCV001487237.8), dbSNP rs756569459, ClinGen allele CA360761534.